The following is an entry in ClinVar:

NM_001853.4(COL9A3):c.943G>A (p.Asp315Asn)

Gene: COL9A3 (collagen type IX alpha 3 chain; plus strand). Cytogenetic location: 20q13.33.
Variant type: single nucleotide variant.
Coding change: c.943G>A on transcript NM_001853.4 (MANE Select); coding-DNA position 943, G replaced by A.
Protein change: p.Asp315Asn; replaces aspartic acid 315 with asparagine.
Molecular consequence: missense variant.
Genome position (GRCh38, 1-based): chr20:62,828,806, G>A. VCF-style: chr20-62828806-G-A. GRCh37 (hg19) VCF-style: chr20-61460158-G-A.
Other names: short protein forms D315N.
Identifiers: ClinVar variation 1515802 (VCV001515802.6), dbSNP rs776778797, ClinGen allele CA9949615.

ClinVar aggregate classification (germline): Uncertain significance (1 of 4 stars; one submission).

Allele frequency attached by ClinVar (database versions not stated): ExAC 0.00001.
gnomAD v4.1: 14 of 1,612,856 alleles (0.00087%); highest among the groups gnomAD compares: South Asian, 0.0088%; no homozygotes.

Submission:

Labcorp Genetics (formerly Invitae), Labcorp
Classification: Uncertain significance. Last evaluated: 2021-10-29. Review status: criteria provided, single submitter. Criteria: Invitae Variant Classification Sherloc (09022015). Collection method: clinical testing. Allele origin: germline.
Comment: This variant has not been reported in the literature in individuals affected with COL9A3-related conditions. In summary, the available evidence is currently insufficient to determine the role of this variant in disease. Therefore, it has been classified as a Variant of Uncertain Significance. Advanced modeling of protein sequence and biophysical properties (such as structural, functional, and spatial information, amino acid conservation, physicochemical variation, residue mobility, and thermodynamic stability) performed at Invitae indicates that this missense variant is not expected to disrupt COL9A3 protein function. This variant is present in population databases (rs776778797, gnomAD 0.01%). This sequence change replaces aspartic acid, which is acidic and polar, with asparagine, which is neutral and polar, at codon 315 of the COL9A3 protein (p.Asp315Asn).